The following is an entry in ClinVar:

NM_000111.3(SLC26A3):c.2092G>T (p.Glu698Ter)

Gene: SLC26A3 (solute carrier family 26 member 3; minus strand). Cytogenetic location: 7q22.3.
Variant type: single nucleotide variant.
Coding change: c.2092G>T on transcript NM_000111.3 (MANE Select); coding-DNA position 2092, G replaced by T.
Protein change: p.Glu698Ter; replaces glutamic acid 698 with a stop codon.
Molecular consequence: nonsense.
Genome position (GRCh38, 1-based): chr7:107,767,879, C>A on the plus strand (G>T on the coding strand, the complement: SLC26A3 is on the minus strand). VCF-style: chr7-107767879-C-A. GRCh37 (hg19) VCF-style: chr7-107408324-C-A.
Other names: short protein forms E698*.
Identifiers: ClinVar variation 2745038 (VCV002745038.3), dbSNP rs138002384, ClinGen allele CA4433578.
Genomic context (GRCh38, chr7:107,767,879, plus strand): 5'-AAACAGCATCATGGATTGTTAAGAAAAATATTGAGCTTTTCACTTCACCATCAAAAAATT[C>A]ATACCGGTTAAGCTTCTCAATGAAGTCATCTGAAGAGAAAAAAACAGTAACTTTTAGGAA-3'

ClinVar aggregate classification (germline): Pathogenic (1 of 4 stars; one submission).

Submission:

Labcorp Genetics (formerly Invitae), Labcorp
Classification: Pathogenic. Last evaluated: 2023-07-19. Review status: criteria provided, single submitter. Criteria: Invitae Variant Classification Sherloc (09022015). Collection method: clinical testing. Allele origin: germline.
Comment: For these reasons, this variant has been classified as Pathogenic. Algorithms developed to predict the effect of sequence changes on RNA splicing suggest that this variant may disrupt the consensus splice site. This variant has not been reported in the literature in individuals affected with SLC26A3-related conditions. This variant is present in population databases (rs138002384, gnomAD 0.007%). This sequence change creates a premature translational stop signal (p.Glu698*) in the SLC26A3 gene. It is expected to result in an absent or disrupted protein product. Loss-of-function variants in SLC26A3 are known to be pathogenic (PMID: 9718329, 21394828).

Literature cited by the submitters: PubMed 9718329; PubMed 21394828.